The following is an entry in ClinVar:

ClinVar aggregate classification (germline): Pathogenic. Review status: criteria provided, multiple submitters, no conflicts (2 of 4 stars). 6 submissions from 6 submitters: Pathogenic (5). 1 of the submissions does not count toward it. Last evaluated 2023-12-05.

Conditions:
Ehlers-Danlos syndrome (EDS). Identifiers: Orphanet 98249, MedGen C0013720, MONDO:0020066.
Brittle cornea syndrome 2 (BCS2). Identifiers: Orphanet 90354, MedGen C3280011, MONDO:0013605, OMIM 614170.

Allele frequency attached by ClinVar (database versions not stated): gnomAD exomes below 0.00001 and 0.00001; ExAC 0.00001; gnomAD 0.00001; TOPMed 0.00001.

Submissions (6):

Labcorp Genetics (formerly Invitae), Labcorp
Classification: Pathogenic. Last evaluated: 2023-12-05. Review status: criteria provided, single submitter. Criteria: Invitae Variant Classification Sherloc (09022015). Collection method: clinical testing. Allele origin: germline.
Comment: This sequence change creates a premature translational stop signal (p.Cys325Leufs*2) in the PRDM5 gene. It is expected to result in an absent or disrupted protein product. Loss-of-function variants in PRDM5 are known to be pathogenic (PMID: 21664999, 26395458). This variant is present in population databases (rs766853150, gnomAD 0.002%). This premature translational stop signal has been observed in individual(s) with brittle cornea syndrome (PMID: 21664999, 33739556). ClinVar contains an entry for this variant (Variation ID: 31114). For these reasons, this variant has been classified as Pathogenic.

Laboratory of Medical Genetics, National & Kapodistrian University of Athens
Classification: Pathogenic for Brittle cornea syndrome 2. Last evaluated: 2021-10-01. Review status: criteria provided, single submitter. Criteria: ACMG Guidelines, 2015. Collection method: clinical testing. Allele origin: unknown. Affected: yes.
Comment: PVS1, PM2, PP3, PP5

Genome Diagnostics Laboratory, The Hospital for Sick Children
Classification: Pathogenic for Ehlers-Danlos syndrome. Last evaluated: 2021-04-20. Review status: criteria provided, single submitter. Criteria: ACMG Guidelines, 2015. Collection method: clinical testing. Allele origin: germline.

Center for Medical Genetics Ghent, University of Ghent
Classification: Pathogenic for Brittle cornea syndrome 2. Last evaluated: 2020-08-01. Review status: criteria provided, single submitter. Criteria: ACMG Guidelines, 2015. Collection method: clinical testing. Allele origin: germline. Inheritance: Autosomal recessive inheritance. Affected: yes. Observed: 2 variant alleles, 1 heterozygote, 1 homozygote.

CeGaT Center for Human Genetics Tuebingen
Classification: Pathogenic. Last evaluated: 2018-02-01. Review status: criteria provided, single submitter. Criteria: CeGaT Center For Human Genetics Tuebingen Variant Classification Criteria Version 2. Collection method: clinical testing. Allele origin: germline. Affected: yes. Observed: 1 variant allele.

OMIM
Classification: Pathogenic for BRITTLE CORNEA SYNDROME 2. Last evaluated: 2011-06-10. Review status: no assertion criteria provided. Collection method: literature only. Allele origin: germline. Not counted in ClinVar's aggregate classification.

Literature cited by the submitters: PubMed 21664999 (cited by Labcorp Genetics (formerly Invitae), Labcorp and OMIM); PubMed 26395458 (cited by Labcorp Genetics (formerly Invitae), Labcorp); PubMed 33739556 (cited by Labcorp Genetics (formerly Invitae), Labcorp and Center for Medical Genetics Ghent, University of Ghent); PubMed 34008892 (cited by Laboratory of Medical Genetics, National & Kapodistrian University of Athens).

NM_018699.4(PRDM5):c.974del (p.Cys325fs)

Gene: PRDM5 (PR/SET domain 5; minus strand). Cytogenetic location: 4q27.
Variant type: Deletion.
Coding change: c.974del on transcript NM_018699.4 (MANE Select); coding-DNA position 974, one base deleted (G; older notation c.974delG).
Protein change: p.Cys325fs; shifts the reading frame from cysteine 325.
Molecular consequence: frameshift variant.
Genome position (GRCh38, 1-based): chr4:120,799,717, C deleted on the plus strand (G on the coding strand, the reverse complement: PRDM5 is on the minus strand). VCF-style (leftmost placement, unchanged base first): chr4-120799716-AC-A. GRCh37 (hg19) VCF-style: chr4-121720871-AC-A.
Other names: c.974delG (NM_018699.4, NM_018699.3); c.881del, p.Cys294fs (NM_001300823.2, NM_001300824.2, NM_001379106.1); c.974del, p.Cys325fs (NM_001379104.1); short protein forms C294fs, C325fs.
Identifiers: ClinVar variation 31114 (VCV000031114.51), dbSNP rs766853150, ClinGen allele CA3061197.